The following is an entry in ClinVar:

ClinVar aggregate classification (germline): Conflicting classifications of pathogenicity. Review status: criteria provided, conflicting classifications (1 of 4 stars). 7 submissions from 6 submitters: Uncertain significance (3); Likely benign (4). Last evaluated 2026-01-13.

Conditions:
Fibrochondrogenesis 1 (FBCG1). Identifiers: Orphanet 2021, MedGen C3278138, MONDO:0009226, OMIM 228520.
Skeletal dysplasia. Also called: Primary bone dysplasia. Identifiers: Orphanet 364526, MedGen C0410528, MONDO:0018230, HP:0002652.
Stickler syndrome type 2 (STL2). Also called: STICKLER SYNDROME, BEADED VITREOUS TYPE; STICKLER SYNDROME, VITREOUS TYPE 2; STICKLER SYNDROME, TYPE II; COL11A1-Related Stickler Syndrome. Identifiers: Orphanet 828, Orphanet 90654, MedGen C1858084, MONDO:0011493, OMIM 604841.

Allele frequency attached by ClinVar (database versions not stated): gnomAD 0.00001 and 0.00005; TOPMed 0.00002; ExAC 0.00018; gnomAD exomes 0.00018; 1000 Genomes Project 0.00020; 1000 Genomes Project 30x 0.00031.
gnomAD v4.1: 261 of 1,613,692 alleles (0.016%); highest among the groups gnomAD compares: South Asian, 0.14%; 2 homozygotes.

Submissions (7):

Labcorp Genetics (formerly Invitae), Labcorp
Classification: Likely benign. Last evaluated: 2026-01-13. Review status: criteria provided, single submitter. Criteria: Invitae Variant Classification Sherloc (09022015). Collection method: clinical testing. Allele origin: germline.

Blueprint Genetics
Classification: Likely benign. Last evaluated: 2024-06-14. Review status: criteria provided, single submitter. Criteria: ACMG Guidelines, 2015. Collection method: clinical testing. Allele origin: germline.

Cambridge Genomics Laboratory, East Genomic Laboratory Hub, NHS Genomic Medicine Service
Classification: Likely benign for Skeletal dysplasia. Last evaluated: 2020-02-05. Review status: criteria provided, single submitter. Criteria: ACGS Best Practice Guidelines for Variant Classification in Rare Disease 2020. Collection method: clinical testing. Allele origin: germline. Affected: yes. Observed: 1 variant allele.

GeneDx
Classification: Likely benign. Last evaluated: 2019-11-04. Review status: criteria provided, single submitter. Criteria: GeneDx Variant Classification Process June 2021. Collection method: clinical testing. Allele origin: germline. Affected: yes.
Comment: In silico analysis, which includes protein predictors and evolutionary conservation, supports that this variant does not alter protein structure/function; Has not been previously published as pathogenic or benign to our knowledge

Illumina Laboratory Services, Illumina
Classification: Uncertain significance for Stickler syndrome type 2. Last evaluated: 2018-01-13. Review status: criteria provided, single submitter. Criteria: ICSL Variant Classification Criteria 13 December 2019. Collection method: clinical testing. Allele origin: germline.

Illumina Laboratory Services, Illumina
Classification: Uncertain significance for Fibrochondrogenesis 1. Last evaluated: 2018-01-13. Review status: criteria provided, single submitter. Criteria: ICSL Variant Classification Criteria 13 December 2019. Collection method: clinical testing. Allele origin: germline.

Eurofins Ntd Llc (ga)
Classification: Uncertain significance. Last evaluated: 2013-09-19. Review status: criteria provided, single submitter. Criteria: EGL Classification Definitions 2015. Collection method: clinical testing. Allele origin: germline. Observed: 1 variant allele, 1 heterozygote.

NM_001854.4(COL11A1):c.215C>G (p.Thr72Ser)

Gene: COL11A1 (collagen type XI alpha 1 chain; minus strand). Cytogenetic location: 1p21.1.
Variant type: single nucleotide variant.
Coding change: c.215C>G on transcript NM_001854.4 (MANE Select); coding-DNA position 215, C replaced by G.
Protein change: p.Thr72Ser; replaces threonine 72 with serine.
Molecular consequence: missense variant. On other transcripts: non-coding transcript variant (1).
Genome position (GRCh38, 1-based): chr1:103,082,864, G>C on the plus strand (C>G on the coding strand, the complement: COL11A1 is on the minus strand). VCF-style: chr1-103082864-G-C. GRCh37 (hg19) VCF-style: chr1-103548420-G-C.
Other names: c.215C>G, p.Thr72Ser (NM_001190709.2, NM_080629.3, NM_080630.4); short protein forms T72S.
Identifiers: ClinVar variation 93968 (VCV000093968.21), dbSNP rs56230601, ClinGen allele CA221845.